The following is an entry in ClinVar:

ClinVar aggregate classification (germline): Uncertain significance. Review status: criteria provided, multiple submitters, no conflicts (2 of 4 stars). 2 submissions from 2 submitters: Uncertain significance (2). Last evaluated 2025-03-18.

Conditions:
Juvenile polyposis syndrome (JPS). Identifiers: Orphanet 2929, MedGen C0345893, MONDO:0017380, OMIM 174900.
Familial thoracic aortic aneurysm and aortic dissection (TAAD). Also called: Thoracic aortic aneurysms and dissections. Identifiers: Orphanet 91387, MedGen C4707243, MONDO:0019625.
Hereditary cancer-predisposing syndrome. Also called: Tumor predisposition; Hereditary neoplastic syndrome; Neoplastic Syndromes, Hereditary; Hereditary Cancer Syndrome. Identifiers: Orphanet 140162, MedGen C0027672, MeSH D009386, MONDO:0015356.

Submissions (2):

Ambry Genetics
Classification: Uncertain significance for Hereditary cancer-predisposing syndrome; Familial thoracic aortic aneurysm and aortic dissection. Last evaluated: 2025-03-18. Review status: criteria provided, single submitter. Criteria: Ambry Variant Classification Scheme 2023. Collection method: clinical testing. Allele origin: germline.
Comment: The p.Q448K variant (also known as c.1342C>A), located in coding exon 10 of the SMAD4 gene, results from a C to A substitution at nucleotide position 1342. The glutamine at codon 448 is replaced by lysine, an amino acid with similar properties. This amino acid position is highly conserved in available vertebrate species. In addition, this alteration is predicted to be deleterious by in silico analysis. Based on the available evidence, the clinical significance of this variant remains unclear.

Labcorp Genetics (formerly Invitae), Labcorp
Classification: Uncertain significance for Juvenile polyposis syndrome. Last evaluated: 2021-06-29. Review status: criteria provided, single submitter. Criteria: Invitae Variant Classification Sherloc (09022015). Collection method: clinical testing. Allele origin: germline.
Comment: In summary, the available evidence is currently insufficient to determine the role of this variant in disease. Therefore, it has been classified as a Variant of Uncertain Significance. Advanced modeling of protein sequence and biophysical properties (such as structural, functional, and spatial information, amino acid conservation, physicochemical variation, residue mobility, and thermodynamic stability) performed at Invitae indicates that this missense variant is not expected to disrupt SMAD4 protein function. This variant has not been reported in the literature in individuals with SMAD4-related conditions. This variant is not present in population databases (ExAC no frequency). This sequence change replaces glutamine with lysine at codon 448 of the SMAD4 protein (p.Gln448Lys). The glutamine residue is highly conserved and there is a small physicochemical difference between glutamine and lysine.

NM_005359.6(SMAD4):c.1342C>A (p.Gln448Lys)

Gene: SMAD4 (SMAD family member 4; plus strand). Cytogenetic location: 18q21.2.
Variant type: single nucleotide variant.
Coding change: c.1342C>A on transcript NM_005359.6 (MANE Select); coding-DNA position 1342, C replaced by A.
Protein change: p.Gln448Lys; replaces glutamine 448 with lysine.
Molecular consequence: missense variant.
Genome position (GRCh38, 1-based): chr18:51,076,671, C>A. VCF-style: chr18-51076671-C-A. GRCh37 (hg19) VCF-style: chr18-48603041-C-A.
Other names: c.1342C>A (NM_005359.5); short protein forms Q448K.
Identifiers: ClinVar variation 1502200 (VCV001502200.9), dbSNP rs377767361, ClinGen allele CA402465178.